The following is an entry in ClinVar:

NM_152703.5(SAMD9L):c.4334C>A (p.Ser1445Tyr)

Gene: SAMD9L (sterile alpha motif domain containing 9 like; minus strand). Cytogenetic location: 7q21.2.
Variant type: single nucleotide variant.
Coding change: c.4334C>A on transcript NM_152703.5 (MANE Select); coding-DNA position 4334, C replaced by A.
Protein change: p.Ser1445Tyr; replaces serine 1445 with tyrosine.
Molecular consequence: missense variant.
Genome position (GRCh38, 1-based): chr7:93,131,638, G>T on the plus strand (C>A on the coding strand, the complement: SAMD9L is on the minus strand). VCF-style: chr7-93131638-G-T. GRCh37 (hg19) VCF-style: chr7-92760951-G-T.
Other names: c.4334C>A, p.Ser1445Tyr (NM_001303496.3, NM_001303497.3, NM_001303498.3 and 5 more transcripts); short protein forms S1445Y.
Identifiers: ClinVar variation 4159389 (VCV004159389.1).

ClinVar aggregate classification (germline): Uncertain significance (1 of 4 stars; one submission).

Conditions:
Inborn genetic diseases. Identifiers: MedGen C0950123, MeSH D030342.

Submission:

Ambry Genetics
Classification: Uncertain significance for Inborn genetic diseases. Last evaluated: 2025-08-10. Review status: criteria provided, single submitter. Criteria: Ambry Variant Classification Scheme 2023. Collection method: clinical testing. Allele origin: germline.
Comment: The p.S1445Y variant (also known as c.4334C>A), located in coding exon 1 of the SAMD9L gene, results from a C to A substitution at nucleotide position 4334. The serine at codon 1445 is replaced by tyrosine, an amino acid with dissimilar properties. This amino acid position is conserved. In addition, this alteration is predicted to be tolerated by in silico analysis. Based on the available evidence, the clinical significance of this variant remains unclear.